The following is an entry in ClinVar:

ClinVar aggregate classification (germline): Uncertain significance. Review status: criteria provided, multiple submitters, no conflicts (2 of 4 stars). 2 submissions from 2 submitters: Uncertain significance (2). Last evaluated 2024-09-30.

Conditions:
Inborn genetic diseases. Identifiers: MedGen C0950123, MeSH D030342.

Allele frequency attached by ClinVar (database versions not stated): gnomAD 0.00001; gnomAD exomes 0.00001; TOPMed 0.00002.

Submissions (2):

Ambry Genetics
Classification: Uncertain significance for Inborn genetic diseases. Last evaluated: 2024-09-30. Review status: criteria provided, single submitter. Criteria: Ambry Variant Classification Scheme 2023. Collection method: clinical testing. Allele origin: germline.

Labcorp Genetics (formerly Invitae), Labcorp
Classification: Uncertain significance. Last evaluated: 2023-05-15. Review status: criteria provided, single submitter. Criteria: Invitae Variant Classification Sherloc (09022015). Collection method: clinical testing. Allele origin: germline.
Comment: In summary, the available evidence is currently insufficient to determine the role of this variant in disease. Therefore, it has been classified as a Variant of Uncertain Significance. Advanced modeling of protein sequence and biophysical properties (such as structural, functional, and spatial information, amino acid conservation, physicochemical variation, residue mobility, and thermodynamic stability) performed at Invitae indicates that this missense variant is not expected to disrupt GRM6 protein function. ClinVar contains an entry for this variant (Variation ID: 957330). This variant has not been reported in the literature in individuals affected with GRM6-related conditions. This variant is not present in population databases (gnomAD no frequency). This sequence change replaces valine, which is neutral and non-polar, with isoleucine, which is neutral and non-polar, at codon 156 of the GRM6 protein (p.Val156Ile).

NM_000843.4(GRM6):c.466G>A (p.Val156Ile)

Gene: GRM6 (glutamate metabotropic receptor 6; minus strand). Cytogenetic location: 5q35.3.
Variant type: single nucleotide variant.
Coding change: c.466G>A on transcript NM_000843.4 (MANE Select); coding-DNA position 466, G replaced by A.
Protein change: p.Val156Ile; replaces valine 156 with isoleucine.
Molecular consequence: missense variant.
Genome position (GRCh38, 1-based): chr5:178,994,479, C>T on the plus strand (G>A on the coding strand, the complement: GRM6 is on the minus strand). VCF-style: chr5-178994479-C-T. GRCh37 (hg19) VCF-style: chr5-178421480-C-T.
Other names: short protein forms V156I.
Identifiers: ClinVar variation 957330 (VCV000957330.11), dbSNP rs1172096502, ClinGen allele CA362435664.